The following is an entry in ClinVar:

ClinVar aggregate classification (germline): Uncertain significance. Review status: criteria provided, single submitter (1 of 4 stars). 2 submissions from 2 submitters: Uncertain significance (1). 1 of the submissions does not count toward it. Last evaluated 2023-10-05.

Conditions:
Congenital lactic acidosis, Saguenay-Lac-Saint-Jean type (MC4DN5). Also called: MITOCHONDRIAL COMPLEX IV DEFICIENCY, NUCLEAR TYPE 5; CYTOCHROME c OXIDASE DEFICIENCY, FRENCH CANADIAN TYPE; COX DEFICIENCY, FRENCH CANADIAN TYPE. Identifiers: Orphanet 70472, MedGen C1857355, MONDO:0009069, OMIM 220111.

Submissions (2):

Labcorp Genetics (formerly Invitae), Labcorp
Classification: Uncertain significance. Last evaluated: 2023-10-05. Review status: criteria provided, single submitter. Criteria: Invitae Variant Classification Sherloc (09022015). Collection method: clinical testing. Allele origin: germline.
Comment: This sequence change replaces leucine, which is neutral and non-polar, with valine, which is neutral and non-polar, at codon 344 of the LRPPRC protein (p.Leu344Val). This variant is not present in population databases (gnomAD no frequency). This variant has not been reported in the literature in individuals affected with LRPPRC-related conditions. Advanced modeling of protein sequence and biophysical properties (such as structural, functional, and spatial information, amino acid conservation, physicochemical variation, residue mobility, and thermodynamic stability) performed at Invitae indicates that this missense variant is not expected to disrupt LRPPRC protein function. In summary, the available evidence is currently insufficient to determine the role of this variant in disease. Therefore, it has been classified as a Variant of Uncertain Significance.

Natera, Inc.
Classification: Uncertain significance for French-Canadian type Leigh syndrome. Last evaluated: 2025-01-10. Review status: no assertion criteria provided. Collection method: clinical testing. Allele origin: germline. Not counted in ClinVar's aggregate classification.

NM_133259.4(LRPPRC):c.1030C>G (p.Leu344Val)

Gene: LRPPRC (leucine rich pentatricopeptide repeat containing; minus strand). Cytogenetic location: 2p21.
Variant type: single nucleotide variant.
Coding change: c.1030C>G on transcript NM_133259.4 (MANE Select); coding-DNA position 1030, C replaced by G.
Protein change: p.Leu344Val; replaces leucine 344 with valine.
Molecular consequence: missense variant.
Genome position (GRCh38, 1-based): chr2:43,974,275, G>C on the plus strand (C>G on the coding strand, the complement: LRPPRC is on the minus strand). VCF-style: chr2-43974275-G-C. GRCh37 (hg19) VCF-style: chr2-44201414-G-C.
Other names: c.1030C>G (NM_133259.3); short protein forms L344V.
Identifiers: ClinVar variation 2765639 (VCV002765639.4), dbSNP rs2466663391, ClinGen allele CA346673533.
Genomic context (GRCh38, chr2:43,974,275, plus strand): 5'-ATACGGGGCATGCTAGTAAAATTTGCAACGCTACATCTTCCAATTTTTCAGTGACTAAAA[G>C]TAAAATGAGGTTCATTGCATCTGGGAAGAAAACAAAGACATCTTTTGTTAATAAACTGAA-3'
Protein context (NP_573566.2, residues 334-354): YIPDAMNLIL[Leu344Val]LVTEKLEDVA